The following is an entry in ClinVar:

NM_000540.3(RYR1):c.14157G>A (p.Lys4719=)

Gene: RYR1 (ryanodine receptor 1; plus strand). Cytogenetic location: 19q13.2.
Variant type: single nucleotide variant.
Coding change: c.14157G>A on transcript NM_000540.3 (MANE Select); coding-DNA position 14157, G replaced by A.
Protein change: p.Lys4719=; no amino-acid change (lysine 4719 retained).
Molecular consequence: synonymous variant.
Genome position (GRCh38, 1-based): chr19:38,575,946, G>A. VCF-style: chr19-38575946-G-A. GRCh37 (hg19) VCF-style: chr19-39066586-G-A.
Other names: c.14142G>A, p.Lys4714= (NM_001042723.2).
Identifiers: ClinVar variation 256441 (VCV000256441.15), dbSNP rs776586662, ClinGen allele CA060911.

ClinVar aggregate classification (germline): Likely benign. Review status: criteria provided, multiple submitters, no conflicts (2 of 4 stars). 4 submissions from 4 submitters: Likely benign (4). Last evaluated 2025-09-15.

Conditions:
RYR1-related disorder. Also called: RYR1-related condition; RYR1-related disorders. Identifiers: MedGen CN239331.
Malignant hyperthermia, susceptibility to, 1 (MHS1). Also called: RYR1-Related Malignant Hyperthermia Susceptibility; Anesthesia related hyperthermia; Malignant hyperpyrexia; Fulminating hyperpyrexia; Pharmacogenic myopathy; Malignant hyperthermia suceptibility 1. Identifiers: Orphanet 423, MedGen C2930980, MONDO:0007783, OMIM 145600.

Allele frequency attached by ClinVar (database versions not stated): TOPMed 0.00001; ExAC 0.00002; gnomAD exomes 0.00002 and 0.00005.
gnomAD v4.1: 13 of 1,614,238 alleles (0.00081%); highest among the groups gnomAD compares: Admixed American, 0.022%; no homozygotes.

Submissions (4):

Labcorp Genetics (formerly Invitae), Labcorp
Classification: Likely benign for RYR1-related disorder. Last evaluated: 2025-09-15. Review status: criteria provided, single submitter. Criteria: Invitae Variant Classification Sherloc (09022015). Collection method: clinical testing. Allele origin: germline.

All of Us Research Program, National Institutes of Health
Classification: Likely benign for Malignant hyperthermia, susceptibility to, 1. Last evaluated: 2024-02-05. Review status: criteria provided, single submitter. Criteria: ACMG Guidelines, 2015. Collection method: clinical testing. Allele origin: germline. Inheritance: Autosomal dominant inheritance. Observed: 19 variant alleles, 19 heterozygotes.
Comment: This study involves interpretation of variants in research participants for the purpose of population health screening. Participant phenotype was not available at the time of variant classification. Additional details can be found in publication PMID: 35346344, PMCID: PMC8962531

Color Diagnostics, LLC DBA Color Health
Classification: Likely benign for Malignant hyperthermia, susceptibility to, 1. Last evaluated: 2022-10-11. Review status: criteria provided, single submitter. Criteria: ACMG Guidelines, 2015. Collection method: clinical testing. Allele origin: germline.

PreventionGenetics, part of Exact Sciences
Classification: Likely benign. Review status: criteria provided, single submitter. Criteria: ACMG Guidelines, 2015. Collection method: clinical testing. Allele origin: germline.